The following is an entry in ClinVar:

ClinVar aggregate classification (germline): Uncertain significance (1 of 4 stars; one submission).

Conditions:
Hereditary breast ovarian cancer syndrome. Also called: Hereditary breast and ovarian cancer syndrome (HBOC); Hereditary breast and/or ovarian cancer syndrome; Hereditary breast and ovarian cancer syndrome; Breast and ovarian cancer; BRCA1- and BRCA2-Associated Hereditary Breast and Ovarian Cancer; Hereditary breast and ovarian cancer. Identifiers: Orphanet 145, MedGen C0677776, MeSH D061325, MONDO:0003582. Disease mechanism: loss of function.

Allele frequency attached by ClinVar (database versions not stated): ExAC 0.00001.
gnomAD v4.1: 3 of 1,613,030 alleles (0.00019%); highest among the groups gnomAD compares: South Asian, 0.0022%; no homozygotes.

Submission:

Labcorp Genetics (formerly Invitae), Labcorp
Classification: Uncertain significance for Hereditary breast ovarian cancer syndrome. Last evaluated: 2022-07-06. Review status: criteria provided, single submitter. Criteria: Invitae Variant Classification Sherloc (09022015). Collection method: clinical testing. Allele origin: germline.
Comment: In summary, the available evidence is currently insufficient to determine the role of this variant in disease. Therefore, it has been classified as a Variant of Uncertain Significance. Advanced modeling of protein sequence and biophysical properties (such as structural, functional, and spatial information, amino acid conservation, physicochemical variation, residue mobility, and thermodynamic stability) performed at Invitae indicates that this missense variant is not expected to disrupt BRCA2 protein function. This variant has not been reported in the literature in individuals affected with BRCA2-related conditions. This variant is present in population databases (rs781715267, gnomAD 0.004%). This sequence change replaces tyrosine, which is neutral and polar, with serine, which is neutral and polar, at codon 2977 of the BRCA2 protein (p.Tyr2977Ser).

NM_000059.4(BRCA2):c.8930A>C (p.Tyr2977Ser)

Gene: BRCA2 (BRCA2 DNA repair associated; plus strand). Cytogenetic location: 13q13.1.
Variant type: single nucleotide variant.
Coding change: c.8930A>C on transcript NM_000059.4 (MANE Select); coding-DNA position 8930, A replaced by C.
Protein change: p.Tyr2977Ser; replaces tyrosine 2977 with serine.
Molecular consequence: missense variant.
Genome position (GRCh38, 1-based): chr13:32,379,492, A>C. VCF-style: chr13-32379492-A-C. GRCh37 (hg19) VCF-style: chr13-32953629-A-C.
Other names: c.8834A>C, p.Tyr2945Ser (NM_001406719.1); c.8930A>C, p.Tyr2977Ser (NM_001406720.1); c.3998A>C, p.Tyr1333Ser (NM_001406721.1); c.2513A>C, p.Tyr838Ser (NM_001406722.1); short protein forms Y1333S, Y838S, Y2945S, Y2977S.
Identifiers: ClinVar variation 1969981 (VCV001969981.5), dbSNP rs781715267, ClinGen allele CA6941311.
Genomic context (GRCh38, chr13:32,379,492, plus strand): 5'-AAAAGGAACAAGGTTTATCAAGGGATGTCACAACCGTGTGGAAGTTGCGTATTGTAAGCT[A>C]TTCAAAAAAAGAAAAAGATTCAGGTAAGTATGTAAATGCTTTGTTTTTATCAGTTTTATT-3'
Protein context (NP_000050.3, residues 2967-2987): TTVWKLRIVS[Tyr2977Ser]SKKEKDSVIL